The following is an entry in ClinVar:

NM_177559.3(CSNK2A1):c.1145C>T (p.Pro382Leu)

Gene: CSNK2A1 (casein kinase 2 alpha 1; minus strand). Cytogenetic location: 20p13.
Variant type: single nucleotide variant.
Coding change: c.1145C>T on transcript NM_177559.3 (MANE Select); coding-DNA position 1145, C replaced by T.
Protein change: p.Pro382Leu; replaces proline 382 with leucine.
Molecular consequence: missense variant.
Genome position (GRCh38, 1-based): chr20:483,992, G>A on the plus strand (C>T on the coding strand, the complement: CSNK2A1 is on the minus strand). VCF-style: chr20-483992-G-A. GRCh37 (hg19) VCF-style: chr20-464636-G-A.
Other names: c.1145C>T, p.Pro382Leu (NM_001362770.2, NM_001362771.2, NM_001895.4); c.737C>T, p.Pro246Leu (NM_177560.3); short protein forms P382L, P246L.
Identifiers: ClinVar variation 424257 (VCV000424257.6), dbSNP rs1064796883, ClinGen allele CA16620931.

ClinVar aggregate classification (germline): Uncertain significance. Review status: criteria provided, multiple submitters, no conflicts (2 of 4 stars). 2 submissions from 2 submitters: Uncertain significance (2). Last evaluated 2019-08-22.

Conditions:
Okur-Chung neurodevelopmental syndrome (OCNDS). Identifiers: Orphanet 689422, MedGen C4310739, MONDO:0014893, OMIM 617062.

Submissions (2):

GeneDx
Classification: Uncertain significance. Last evaluated: 2019-08-22. Review status: criteria provided, single submitter. Criteria: GeneDx Variant Classification Process June 2021. Collection method: clinical testing. Allele origin: germline. Affected: yes.
Comment: Not observed in large population cohorts (Lek et al., 2016); In silico analysis, which includes protein predictors and evolutionary conservation, supports that this variant does not alter protein structure/function; Has not been previously published as pathogenic or benign to our knowledge

Geisinger Autism and Developmental Medicine Institute, Geisinger Health System
Classification: Uncertain significance for Okur-Chung neurodevelopmental syndrome. Last evaluated: 2017-04-03. Review status: criteria provided, single submitter. Criteria: ACMG Guidelines, 2015. Collection method: provider interpretation, clinical testing. Allele origin: unknown. Observed: 1 variant allele.
Comment: De novo missense variants in this gene have been reported in other individuals with intellectual diability, behavioral problems, dysmorphic features, and microcephaly. Parental samples are unavailable for this patient, so inheritance is unknown. The variant is absent from population databases. Computational prediction models are inconsistent.

Literature cited by the submitters: PubMed 27048600 (cited by Geisinger Autism and Developmental Medicine Institute, Geisinger Health System).